The following is an entry in ClinVar:

ClinVar aggregate classification (germline): Likely benign. Review status: criteria provided, multiple submitters, no conflicts (2 of 4 stars). 3 submissions from 3 submitters: Likely benign (3). Last evaluated 2025-06-20.

Conditions:
LMOD2-related condition.

Allele frequency attached by ClinVar (database versions not stated): 1000 Genomes Project 30x 0.00078; 1000 Genomes Project 0.00080; TOPMed 0.00160; gnomAD 0.00161; ExAC 0.00163; ESP Exome Variant Server 0.00230.
gnomAD v4.1: 4,111 of 1,613,922 alleles (0.25%); highest among the groups gnomAD compares: Non-Finnish European, 0.32%; 7 homozygotes.

Submissions (3):

PreventionGenetics, part of Exact Sciences
Classification: Likely benign for LMOD2-related condition. Last evaluated: 2025-06-20. Review status: criteria provided, single submitter. Criteria: ACMG Guidelines, 2015. Collection method: clinical testing. Allele origin: germline.
Comment: This variant is classified as likely benign based on ACMG/AMP sequence variant interpretation guidelines (Richards et al. 2015 PMID: 25741868, with internal and published modifications).

Blueprint Genetics
Classification: Likely benign. Last evaluated: 2024-11-14. Review status: criteria provided, single submitter. Criteria: ACMG Guidelines, 2015. Collection method: clinical testing. Allele origin: germline.

CeGaT Center for Human Genetics Tuebingen
Classification: Likely benign. Last evaluated: 2023-05-01. Review status: criteria provided, single submitter. Criteria: CeGaT Center For Human Genetics Tuebingen Variant Classification Criteria Version 2. Collection method: clinical testing. Allele origin: germline. Affected: yes. Observed: 2 variant alleles.
Comment: LMOD2: BS2

NM_207163.3(LMOD2):c.662T>C (p.Ile221Thr)

Gene: LMOD2 (leiomodin 2; plus strand). Cytogenetic location: 7q31.32.
Variant type: single nucleotide variant.
Coding change: c.662T>C on transcript NM_207163.3 (MANE Select); coding-DNA position 662, T replaced by C.
Protein change: p.Ile221Thr; replaces isoleucine 221 with threonine.
Molecular consequence: missense variant.
Genome position (GRCh38, 1-based): chr7:123,662,248, T>C. VCF-style: chr7-123662248-T-C. GRCh37 (hg19) VCF-style: chr7-123302302-T-C.
Other names: c.662T>C (NM_207163.1); short protein forms I221T.
Identifiers: ClinVar variation 2499056 (VCV002499056.30), dbSNP rs75417639, ClinGen allele CA4463062.